The following is an entry in ClinVar:

ClinVar aggregate classification (germline): Uncertain significance (1 of 4 stars; one submission).

Allele frequency attached by ClinVar (database versions not stated): ExAC 0.00001; gnomAD exomes 0.00001.
gnomAD v4.1: 3 of 1,613,576 alleles (0.00019%); highest among the groups gnomAD compares: Admixed American, 0.005%; no homozygotes.

Submission:

Labcorp Genetics (formerly Invitae), Labcorp
Classification: Uncertain significance. Last evaluated: 2025-03-17. Review status: criteria provided, single submitter. Criteria: Invitae Variant Classification Sherloc (09022015). Collection method: clinical testing. Allele origin: germline.
Comment: This sequence change replaces glutamine, which is neutral and polar, with lysine, which is basic and polar, at codon 370 of the NALCN protein (p.Gln370Lys). This variant is present in population databases (rs755141858, gnomAD 0.009%). This variant has not been reported in the literature in individuals affected with NALCN-related conditions. ClinVar contains an entry for this variant (Variation ID: 2748258). Invitae Evidence Modeling of protein sequence and biophysical properties (such as structural, functional, and spatial information, amino acid conservation, physicochemical variation, residue mobility, and thermodynamic stability) indicates that this missense variant is not expected to disrupt NALCN protein function with a negative predictive value of 80%. In summary, the available evidence is currently insufficient to determine the role of this variant in disease. Therefore, it has been classified as a Variant of Uncertain Significance.

NM_052867.4(NALCN):c.1108C>A (p.Gln370Lys)

Gene: NALCN (sodium leak channel, non-selective; minus strand). Cytogenetic location: 13q33.1.
Variant type: single nucleotide variant.
Coding change: c.1108C>A on transcript NM_052867.4 (MANE Select); coding-DNA position 1108, C replaced by A.
Protein change: p.Gln370Lys; replaces glutamine 370 with lysine.
Molecular consequence: missense variant. On other transcripts: intron variant (2).
Genome position (GRCh38, 1-based): chr13:101,283,959, G>T on the plus strand (C>A on the coding strand, the complement: NALCN is on the minus strand). VCF-style: chr13-101283959-G-T. GRCh37 (hg19) VCF-style: chr13-101936310-G-T.
Other names: c.1108C>A, p.Gln370Lys (NM_001350748.2, NM_001350749.2); c.1047+8031C>A (NM_001350751.2, NM_001350750.2); short protein forms Q370K.
Identifiers: ClinVar variation 2748258 (VCV002748258.3), dbSNP rs755141858, ClinGen allele CA7036315.